The following is an entry in ClinVar:

NM_000155.4(GALT):c.1060-79_1060-71dup

Gene: GALT (galactose-1-phosphate uridylyltransferase; plus strand). Cytogenetic location: 9p13.3.
Variant type: Duplication.
Coding change: c.1060-79_1060-71dup on transcript NM_000155.4 (MANE Select); 79 bases into the intron before coding-DNA position 1060 through 71 bases into the intron before coding-DNA position 1060, 9 bases duplicated (AAAAAAAAA; older notation c.1060-79_1060-71dupAAAAAAAAA).
Molecular consequence: intron variant.
Genome position (GRCh38, 1-based): chr9:34,650,290-34,650,298, AAAAAAAAA duplicated; duplicating any 9 consecutive bases within chr9:34,650,283-34,650,298 gives the same sequence; the c. name uses the placement nearest the transcript's 3' end. VCF-style (leftmost placement, unchanged base first): chr9-34650282-C-CAAAAAAAAA. GRCh37 (hg19) VCF-style: chr9-34650279-C-CAAAAAAAAA.
Other names: c.733-79_733-71dup (NM_001258332.2).
Identifiers: ClinVar variation 1339677 (VCV001339677.1), dbSNP rs56121779, ClinGen allele CA192671236.

ClinVar aggregate classification (germline): Benign (1 of 4 stars; one submission).

Submission:

Women's Health and Genetics/Laboratory Corporation of America, LabCorp
Classification: Benign. Last evaluated: 2022-01-11. Review status: criteria provided, single submitter. Criteria: LabCorp Variant Classification Summary - May 2015. Collection method: clinical testing. Allele origin: germline.
Comment: Variant summary: GALT c.1060-79_1060-71dupAAAAAAAAA is located at a deep intronic position not widely known to affect splicing, and results in the elongation of a polyadenine stretch (which is located between c.-86 and c.-71). 4/4 computational tools predict no significant impact on normal splicing. However, these predictions have yet to be confirmed by functional studies. The variant allele is indicated to be found at a frequency of 0.39 in 101874 control chromosomes in the gnomAD database (v3.1 genomes dataset), including 8765 homozygotes. The observed variant frequency is approximately 130-fold higher than the estimated maximal expected allele frequency for a pathogenic variant in GALT causing Galactosemia phenotype (0.0029), strongly suggesting that the variant is benign. To our knowledge, no occurrence of c.1060-79_1060-71dupAAAAAAAAA in individuals affected with Galactosemia and no experimental evidence demonstrating its impact on protein function have been reported. No clinical diagnostic laboratories have submitted clinical-significance assessments for this variant to ClinVar after 2014. Based on the evidence outlined above, the variant was classified as benign.